The following is an entry in ClinVar:

ClinVar aggregate classification (germline): Uncertain significance. Review status: criteria provided, multiple submitters, no conflicts (2 of 4 stars). 4 submissions from 4 submitters: Uncertain significance (3). 1 of the submissions does not count toward it. Last evaluated 2024-11-24.

Conditions:
Ataxia-telangiectasia syndrome (AT). Also called: Ataxia-telangiectasia, complementation group D; AT, COMPLEMENTATION GROUP C; Ataxia-telangiectasia; ATAXIA-TELANGIECTASIA, COMPLEMENTATION GROUP A; ATAXIA-TELANGIECTASIA, FRESNO VARIANT; LOUIS-BAR SYNDROME. Identifiers: Orphanet 100, MedGen C0004135, MONDO:0008840, OMIM 208900.
Hereditary cancer-predisposing syndrome. Also called: Hereditary Cancer Syndrome; Neoplastic Syndromes, Hereditary; Tumor predisposition; Hereditary neoplastic syndrome. Identifiers: Orphanet 140162, MedGen C0027672, MeSH D009386, MONDO:0015356.
Malignant tumor of breast. Also called: Malignant breast neoplasm; Cancer breast. Identifiers: MedGen C0006142, MONDO:0007254. Disease mechanism: loss of function.

Allele frequency attached by ClinVar (database versions not stated): gnomAD below 0.00001 and 0.00001; gnomAD exomes 0.00001; ExAC 0.00002; 1000 Genomes Project 0.00020; 1000 Genomes Project 30x 0.00031.
gnomAD v4.1: 8 of 1,614,024 alleles (0.0005%); highest among the groups gnomAD compares: South Asian, 0.0088%; no homozygotes.

Submissions (4):

Labcorp Genetics (formerly Invitae), Labcorp
Classification: Uncertain significance for Ataxia-telangiectasia syndrome. Last evaluated: 2024-11-24. Review status: criteria provided, single submitter. Criteria: Invitae Variant Classification Sherloc (09022015). Collection method: clinical testing. Allele origin: germline.
Comment: This sequence change replaces histidine, which is basic and polar, with glutamine, which is neutral and polar, at codon 996 of the ATM protein (p.His996Gln). This variant is present in population databases (rs559676197, gnomAD 0.01%). This variant has not been reported in the literature in individuals affected with ATM-related conditions. ClinVar contains an entry for this variant (Variation ID: 631459). Invitae Evidence Modeling of protein sequence and biophysical properties (such as structural, functional, and spatial information, amino acid conservation, physicochemical variation, residue mobility, and thermodynamic stability) indicates that this missense variant is not expected to disrupt ATM protein function with a negative predictive value of 95%. RNA analysis performed to evaluate the impact of this missense change on mRNA splicing indicates it does not significantly alter splicing (internal data). In summary, the available evidence is currently insufficient to determine the role of this variant in disease. Therefore, it has been classified as a Variant of Uncertain Significance.

Ambry Genetics
Classification: Uncertain significance for Hereditary cancer-predisposing syndrome. Last evaluated: 2022-08-08. Review status: criteria provided, single submitter. Criteria: Ambry Variant Classification Scheme 2023. Collection method: clinical testing. Allele origin: germline.
Comment: The p.H996Q variant (also known as c.2988T>G), located in coding exon 19 of the ATM gene, results from a T to G substitution at nucleotide position 2988. The histidine at codon 996 is replaced by glutamine, an amino acid with highly similar properties. This amino acid position is not well conserved in available vertebrate species. In addition, this alteration is predicted to be tolerated by in silico analysis. Since supporting evidence is limited at this time, the clinical significance of this alteration remains unclear.

Color Diagnostics, LLC DBA Color Health
Classification: Uncertain significance for Hereditary cancer-predisposing syndrome. Last evaluated: 2018-12-12. Review status: criteria provided, single submitter. Criteria: ACMG Guidelines, 2015. Collection method: clinical testing. Allele origin: germline.

Department of Pathology and Laboratory Medicine, Sinai Health System
Classification: Uncertain significance for Malignant tumor of breast. Review status: no assertion criteria provided. Collection method: clinical testing. Allele origin: unknown. Affected: yes. Observed: 1 variant allele. Study: The Canadian Open Genetics Repository (COGR). Not counted in ClinVar's aggregate classification.
Comment: The ATM p.His996Gln variant was not identified in the literature nor was it identified in the ClinVar, COGR, LOVD 3.0, or ATM-LOVD databases. The variant was identified in dbSNP (ID: rs559676197, as â€šÃ„ÃºNAâ€šÃ„Ã¹), Cosmic (1x in Haematopoietic and lymphoid tissue), and in MutDB databases. The variant was identified in control databases in 3 of 246168 chromosomes at a frequency of 0.00001 (Genome Aggregation Database Feb 27, 2017). The variant was observed in the South Asian population in 3 of 30782 chromosomes (freq: 0.000097); it was not observed in the African, Other, Latino, European, Ashkenazi Jewish, East Asian, and Finnish populations. The p.His996 residue is not conserved in mammals and computational analyses (PolyPhen-2, SIFT, AlignGVGD, BLOSUM, MutationTaster) do not suggest a high likelihood of impact to the protein; however, this information is not predictive enough to rule out pathogenicity. The variant occurs outside of the splicing consensus sequence and 4 of 4 in silico or computational prediction software programs (SpliceSiteFinder, MaxEntScan, NNSPLICE, GeneSplicer) predict a greater than 10% difference in splicing. However, this information is not predictive enough to assume pathogenicity. In summary, based on the above information the clinical significance of this variant cannot be determined with certainty at this time. This variant is classified as a variant of uncertain significance.

NM_000051.4(ATM):c.2988T>G (p.His996Gln)

Gene: ATM (ATM serine/threonine kinase; plus strand). Cytogenetic location: 11q22.3.
Variant type: single nucleotide variant.
Coding change: c.2988T>G on transcript NM_000051.4 (MANE Select); coding-DNA position 2988, T replaced by G.
Protein change: p.His996Gln; replaces histidine 996 with glutamine.
Molecular consequence: missense variant.
Genome position (GRCh38, 1-based): chr11:108,271,317, T>G. VCF-style: chr11-108271317-T-G. GRCh37 (hg19) VCF-style: chr11-108142044-T-G.
Other names: c.2988T>G, p.His996Gln (NM_001351834.2); short protein forms H996Q.
Identifiers: ClinVar variation 631459 (VCV000631459.12), dbSNP rs559676197, ClinGen allele CA6265168.